The following is an entry in ClinVar:

NM_001378030.1(CCDC78):c.295GAGCTG[3] (p.Leu102_Arg103insGluLeu)

Gene: CCDC78 (coiled-coil domain containing 78; minus strand). Cytogenetic location: 16p13.3.
Variant type: Microsatellite.
Coding change: c.295GAGCTG[3] on transcript NM_001378030.1 (MANE Select); three copies in a row of the 6-base unit GAGCTG starting at c.295; the reference has two copies in a row; one copy, 6 bases duplicated.
Protein change: p.Leu102_Arg103insGluLeu.
Molecular consequence: inframe insertion. On other transcripts: non-coding transcript variant (5), intron variant (1).
Genome position (GRCh38, 1-based): chr16:725,542-725,547, CAGCTC duplicated on the plus strand (GAGCTG on the coding strand, the reverse complement: CCDC78 is on the minus strand); duplicating any 6 consecutive bases within chr16:725,542-725,556 gives the same sequence; the position shown is the placement nearest the transcript's 3' end. VCF-style (leftmost placement, unchanged base first): chr16-725541-G-GCAGCTC. GRCh37 (hg19) VCF-style: chr16-775541-G-GCAGCTC.
Other names: c.295GAGCTG[3], p.Leu102_Arg103insGluLeu (NM_001031737.3, NM_001378031.1); c.-19+241GAGCTG[3] (NM_001378033.1).
Identifiers: ClinVar variation 2954634 (VCV002954634.3), dbSNP rs779539462, ClinGen allele CA7789650.

ClinVar aggregate classification (germline): Uncertain significance (1 of 4 stars; one submission).

Conditions:
Congenital myopathy with internal nuclei and atypical cores. Also called: Myopathy, centronuclear, 4. Identifiers: Orphanet 319160, MedGen C4707232, MONDO:0013890, OMIM 614807.

Submission:

Labcorp Genetics (formerly Invitae), Labcorp
Classification: Uncertain significance for Congenital myopathy with internal nuclei and atypical cores. Last evaluated: 2023-06-10. Review status: criteria provided, single submitter. Criteria: Invitae Variant Classification Sherloc (09022015). Collection method: clinical testing. Allele origin: germline.
Comment: This variant, c.301_306dup, results in the insertion of 2 amino acid(s) of the CCDC78 protein (p.Glu101_Leu102dup), but otherwise preserves the integrity of the reading frame. This variant is present in population databases (rs779539462, gnomAD 0.02%). This variant has not been reported in the literature in individuals affected with CCDC78-related conditions. In summary, the available evidence is currently insufficient to determine the role of this variant in disease. Therefore, it has been classified as a Variant of Uncertain Significance.